The following is an entry in ClinVar:

ClinVar aggregate classification (germline): Pathogenic. Review status: criteria provided, multiple submitters, no conflicts (2 of 4 stars). 2 submissions from 2 submitters: Pathogenic (2). Last evaluated 2025-04-24.

Conditions:
Joubert syndrome 21 (JBTS21). Identifiers: MedGen C3810212, MONDO:0014288, OMIM 615636.
Inborn genetic diseases. Identifiers: MedGen C0950123, MeSH D030342.

Submissions (2):

Ambry Genetics
Classification: Pathogenic for Inborn genetic diseases. Last evaluated: 2025-04-24. Review status: criteria provided, single submitter. Criteria: Ambry Variant Classification Scheme 2023. Collection method: clinical testing. Allele origin: germline.
Comment: The c.372delA (p.E125Kfs*16) alteration, located in exon 4 (coding exon 4) of the CSPP1 gene, consists of a deletion of one nucleotide at position 372, causing a translational frameshift with a predicted alternate stop codon after 16 amino acids. This alteration is expected to result in loss of function by premature protein truncation or nonsense-mediated mRNA decay. This variant was not reported in population-based cohorts in the Genome Aggregation Database (gnomAD). Based on the available evidence, this alteration is classified as pathogenic.

Labcorp Genetics (formerly Invitae), Labcorp
Classification: Pathogenic for Joubert syndrome 21. Last evaluated: 2022-02-04. Review status: criteria provided, single submitter. Criteria: Invitae Variant Classification Sherloc (09022015). Collection method: clinical testing. Allele origin: germline.
Comment: For these reasons, this variant has been classified as Pathogenic. This variant has not been reported in the literature in individuals affected with CSPP1-related conditions. This variant is not present in population databases (gnomAD no frequency). This sequence change creates a premature translational stop signal (p.Glu125Lysfs*16) in the CSPP1 gene. It is expected to result in an absent or disrupted protein product. Loss-of-function variants in CSPP1 are known to be pathogenic (PMID: 24360807, 24360808).

Literature cited by the submitters: PubMed 24360807 (cited by Labcorp Genetics (formerly Invitae), Labcorp); PubMed 24360808 (cited by Labcorp Genetics (formerly Invitae), Labcorp).

NM_001382391.1(CSPP1):c.264del (p.Glu89fs)

Gene: CSPP1 (centrosome and spindle pole associated protein 1; plus strand). Cytogenetic location: 8q13.1.
Variant type: Deletion.
Coding change: c.264del on transcript NM_001382391.1 (MANE Select); coding-DNA position 264, one base deleted (A; older notation c.264delA).
Protein change: p.Glu89fs; shifts the reading frame from glutamic acid 89.
Molecular consequence: frameshift variant. On other transcripts: 5 prime UTR variant (1).
Genome position (GRCh38, 1-based): chr8:67,086,071, A deleted; the last of 4 consecutive A bases (chr8:67,086,068-67,086,071); deleting any one gives the same sequence. VCF-style (leftmost placement, unchanged base first): chr8-67086067-TA-T. GRCh37 (hg19) VCF-style: chr8-67998302-TA-T.
Other names: c.372delA (NM_024790.6); c.-511del (NM_001291339.2); c.264del, p.Glu89fs (NM_001363131.2, NM_001363132.2, NM_001363133.2); c.372del, p.Glu125fs (NM_001364869.1, NM_001364870.1); c.372delA, p.Glu125Lysfs (NM_024790.7); short protein forms E125fs, E89fs.
Identifiers: ClinVar variation 1916387 (VCV001916387.6), dbSNP rs2488462982, ClinGen allele CA2579180366.